The following is an entry in ClinVar:

NM_030665.4(RAI1):c.2107A>G (p.Thr703Ala)

Gene: RAI1 (retinoic acid induced 1; plus strand). Cytogenetic location: 17p11.2.
Variant type: single nucleotide variant.
Coding change: c.2107A>G on transcript NM_030665.4 (MANE Select); coding-DNA position 2107, A replaced by G.
Protein change: p.Thr703Ala; replaces threonine 703 with alanine.
Molecular consequence: missense variant.
Genome position (GRCh38, 1-based): chr17:17,795,055, A>G. VCF-style: chr17-17795055-A-G. GRCh37 (hg19) VCF-style: chr17-17698369-A-G.
Other names: short protein forms T703A.
Identifiers: ClinVar variation 3681737 (VCV003681737.2).

ClinVar aggregate classification (germline): Uncertain significance (1 of 4 stars; one submission).

Submission:

Labcorp Genetics (formerly Invitae), Labcorp
Classification: Uncertain significance. Last evaluated: 2024-05-05. Review status: criteria provided, single submitter. Criteria: Invitae Variant Classification Sherloc (09022015). Collection method: clinical testing. Allele origin: germline.
Comment: This sequence change replaces threonine, which is neutral and polar, with alanine, which is neutral and non-polar, at codon 703 of the RAI1 protein (p.Thr703Ala). This variant is not present in population databases (gnomAD no frequency). This variant has not been reported in the literature in individuals affected with RAI1-related conditions. Advanced modeling of protein sequence and biophysical properties (such as structural, functional, and spatial information, amino acid conservation, physicochemical variation, residue mobility, and thermodynamic stability) performed at Invitae indicates that this missense variant is not expected to disrupt RAI1 protein function with a negative predictive value of 80%. In summary, the available evidence is currently insufficient to determine the role of this variant in disease. Therefore, it has been classified as a Variant of Uncertain Significance.